The following is an entry in ClinVar:

ClinVar aggregate classification (germline): Uncertain significance (1 of 4 stars; one submission).

Conditions:
Hyper-IgE recurrent infection syndrome 3, autosomal recessive. Also called: Autosomal recessive hyper-IgE syndrome due to ZNF341 deficiency; HYPER-IgE SYNDROME 3, AUTOSOMAL RECESSIVE, WITH RECURRENT INFECTIONS. Identifiers: Orphanet 641368, MedGen C4748969, MONDO:0032654, OMIM 618282.

Submission:

Labcorp Genetics (formerly Invitae), Labcorp
Classification: Uncertain significance for Combined immunodeficiency due to DOCK8 deficiency. Last evaluated: 2024-01-29. Review status: criteria provided, single submitter. Criteria: Invitae Variant Classification Sherloc (09022015). Collection method: clinical testing. Allele origin: germline.
Comment: This variant results in a copy number gain of the genomic region encompassing exon(s) 1-2 of the DOCK8 gene. This region includes the initiator codon of the gene. This copy number gain extends beyond the assayed region for this gene and therefore may encompass additional genes. As the precise location of this event is unknown, it may be in tandem or it may be located elsewhere in the genome. This variant has not been reported in the literature in individuals affected with DOCK8-related conditions. Experimental studies and prediction algorithms are not available or were not evaluated, and the functional significance of this variant is currently unknown. In summary, the available evidence is currently insufficient to determine the role of this variant in disease. Therefore, it has been classified as a Variant of Uncertain Significance.

NC_000009.11:g.(?_214977)_(271749_?)dup

Genes: DOCK8 (dedicator of cytokinesis 8; plus strand), DOCK8-AS1 (DOCK8 antisense RNA 1; minus strand). Cytogenetic location: 9p24.3.
Variant type: Duplication.
Identifiers: ClinVar variation 1016385 (VCV001016385.10).